The following is an entry in ClinVar:

NM_001369.3(DNAH5):c.7097G>A (p.Arg2366Gln)

Gene: DNAH5 (dynein axonemal heavy chain 5; minus strand). Cytogenetic location: 5p15.2.
Variant type: single nucleotide variant.
Coding change: c.7097G>A on transcript NM_001369.3 (MANE Select); coding-DNA position 7097, G replaced by A.
Protein change: p.Arg2366Gln; replaces arginine 2366 with glutamine.
Molecular consequence: missense variant.
Genome position (GRCh38, 1-based): chr5:13,814,738, C>T on the plus strand (G>A on the coding strand, the complement: DNAH5 is on the minus strand). VCF-style: chr5-13814738-C-T. GRCh37 (hg19) VCF-style: chr5-13814847-C-T.
Other names: short protein forms R2366Q.
Identifiers: ClinVar variation 2724558 (VCV002724558.3), dbSNP rs2151800505, ClinGen allele CA359190822.

ClinVar aggregate classification (germline): Pathogenic (1 of 4 stars; one submission).

Conditions:
Primary ciliary dyskinesia. Also called: Ciliary dyskinesia. Identifiers: Orphanet 244, MedGen C0008780, MONDO:0016575, HP:0012265.

Allele frequency attached by ClinVar (database versions not stated): gnomAD exomes below 0.00001.
gnomAD v4.1: 1 of 1,614,012 alleles (0.000062%); highest among the groups gnomAD compares: Non-Finnish European, 0.000085%; no homozygotes.

Submission:

Labcorp Genetics (formerly Invitae), Labcorp
Classification: Pathogenic for Primary ciliary dyskinesia. Last evaluated: 2023-09-21. Review status: criteria provided, single submitter. Criteria: Invitae Variant Classification Sherloc (09022015). Collection method: clinical testing. Allele origin: germline.
Comment: For these reasons, this variant has been classified as Pathogenic. This variant disrupts the p.Arg2366 amino acid residue in DNAH5. Other variant(s) that disrupt this residue have been determined to be pathogenic (PMID: 24905662). This suggests that this residue is clinically significant, and that variants that disrupt this residue are likely to be disease-causing. Algorithms developed to predict the effect of sequence changes on RNA splicing suggest that this variant may create or strengthen a splice site. Advanced modeling of protein sequence and biophysical properties (such as structural, functional, and spatial information, amino acid conservation, physicochemical variation, residue mobility, and thermodynamic stability) performed at Invitae indicates that this missense variant is expected to disrupt DNAH5 protein function. This missense change has been observed in individual(s) with clinical features of DNAH5-related conditions (Invitae). This variant is not present in population databases (gnomAD no frequency). This sequence change replaces arginine, which is basic and polar, with glutamine, which is neutral and polar, at codon 2366 of the DNAH5 protein (p.Arg2366Gln).

Literature cited by the submitters: PubMed 24905662.